The following is an entry in ClinVar:

NM_015335.5(MED13L):c.3381del (p.Phe1128fs)

Gene: MED13L (mediator complex subunit 13L; minus strand). Cytogenetic location: 12q24.21.
Variant type: Deletion.
Coding change: c.3381del on transcript NM_015335.5 (MANE Select); coding-DNA position 3381, one base deleted (C; older notation c.3381delC).
Protein change: p.Phe1128fs; shifts the reading frame from phenylalanine 1128.
Molecular consequence: frameshift variant.
Genome position (GRCh38, 1-based): chr12:115,991,573, G deleted on the plus strand (C on the coding strand, the reverse complement: MED13L is on the minus strand). VCF-style (leftmost placement, unchanged base first): chr12-115991572-AG-A. GRCh37 (hg19) VCF-style: chr12-116429377-AG-A.
Other names: short protein forms F1128fs.
Identifiers: ClinVar variation 2035565 (VCV002035565.4), dbSNP rs2499856919, ClinGen allele CA2580085852.

ClinVar aggregate classification (germline): Pathogenic (1 of 4 stars; one submission).

Conditions:
Dextro-looped transposition of the great arteries. Also called: Dextrotransposition of the great arteries. Identifiers: Orphanet 860, MedGen C3531771, MONDO:0019443, OMIM 608808, HP:0031348.

Submission:

Labcorp Genetics (formerly Invitae), Labcorp
Classification: Pathogenic for Dextro-looped transposition of the great arteries. Last evaluated: 2022-10-14. Review status: criteria provided, single submitter. Criteria: Invitae Variant Classification Sherloc (09022015). Collection method: clinical testing. Allele origin: germline.
Comment: For these reasons, this variant has been classified as Pathogenic. This variant has not been reported in the literature in individuals affected with MED13L-related conditions. This variant is not present in population databases (gnomAD no frequency). This sequence change creates a premature translational stop signal (p.Phe1128Leufs*11) in the MED13L gene. It is expected to result in an absent or disrupted protein product. Loss-of-function variants in MED13L are known to be pathogenic (PMID: 25712080, 25758992).

Literature cited by the submitters: PubMed 25712080; PubMed 25758992.